The following is an entry in ClinVar:

NM_053025.4(MYLK):c.2486A>G (p.Glu829Gly)

Gene: MYLK (myosin light chain kinase; minus strand). Cytogenetic location: 3q21.1.
Variant type: single nucleotide variant.
Coding change: c.2486A>G on transcript NM_053025.4 (MANE Select); coding-DNA position 2486, A replaced by G.
Protein change: p.Glu829Gly; replaces glutamic acid 829 with glycine.
Molecular consequence: missense variant.
Genome position (GRCh38, 1-based): chr3:123,700,982, T>C on the plus strand (A>G on the coding strand, the complement: MYLK is on the minus strand). VCF-style: chr3-123700982-T-C. GRCh37 (hg19) VCF-style: chr3-123419829-T-C.
Other names: c.1958A>G, p.Glu653Gly (NM_001321309.2); c.2279A>G, p.Glu760Gly (NM_053026.4, NM_053028.4); c.2486A>G, p.Glu829Gly (NM_053027.4); short protein forms E829G, E760G, E653G.
Identifiers: ClinVar variation 3915754 (VCV003915754.1).

ClinVar aggregate classification (germline): Uncertain significance (1 of 4 stars; one submission).

Conditions:
Familial thoracic aortic aneurysm and aortic dissection (TAAD). Also called: Thoracic aortic aneurysms and dissections. Identifiers: Orphanet 91387, MedGen C4707243, MONDO:0019625.

Submission:

Ambry Genetics
Classification: Uncertain significance for Familial thoracic aortic aneurysm and aortic dissection. Last evaluated: 2025-03-23. Review status: criteria provided, single submitter. Criteria: Ambry Variant Classification Scheme 2023. Collection method: clinical testing. Allele origin: germline.
Comment: The p.E829G variant (also known as c.2486A>G), located in coding exon 15 of the MYLK gene, results from an A to G substitution at nucleotide position 2486. The glutamic acid at codon 829 is replaced by glycine, an amino acid with similar properties. This amino acid position is conserved. In addition, this alteration is predicted to be tolerated by in silico analysis. Based on the available evidence, the clinical significance of this variant remains unclear.